The following is an entry in ClinVar:

NM_003322.6(TULP1):c.995dup (p.Lys333fs)

Gene: TULP1 (TUB like protein 1; minus strand). Cytogenetic location: 6p21.31.
Variant type: Duplication.
Coding change: c.995dup on transcript NM_003322.6 (MANE Select); coding-DNA position 995, one base duplicated (A; older notation c.995dupA).
Protein change: p.Lys333fs; shifts the reading frame from lysine 333.
Molecular consequence: frameshift variant.
Genome position (GRCh38, 1-based): chr6:35,506,007, T duplicated on the plus strand (A on the coding strand, the reverse complement: TULP1 is on the minus strand); the first of 2 consecutive T bases (chr6:35,506,007-35,506,008); duplicating either gives the same sequence. VCF-style (leftmost placement, unchanged base first): chr6-35506006-C-CT. GRCh37 (hg19) VCF-style: chr6-35473783-C-CT.
Other names: c.836dup, p.Lys280fs (NM_001289395.2); short protein forms K280fs, K333fs.
Identifiers: ClinVar variation 3544444 (VCV003544444.1).
Genomic context (GRCh38, chr6:35,506,006, plus strand): 5'-GTGGCCCCCATGCCGGATCCCTCCACACTCCCTCCTCTGCTGCCTCTCCCCACCCACCTT[C>CT]TTCTCCGTGTCCAGGTGCAGGAAGTAGGAGGGATACATGCCTCGATCCATGCCCTTTTTG-3'

ClinVar aggregate classification (germline): Pathogenic (1 of 4 stars; one submission).

Conditions:
Leber congenital amaurosis (LCA). Also called: Leber's amaurosis. Identifiers: Orphanet 65, MedGen C0339527, MeSH D057130, MONDO:0018998.

Submission:

Lab De Baere, Eye and Developmental Genetics Lab, Ghent University
Classification: Pathogenic for Leber congenital amaurosis. Last evaluated: 2024-10-01. Review status: criteria provided, single submitter. Criteria: ACMG Guidelines, 2015. Collection method: research. Allele origin: inherited. Affected: yes. Observed: 1 variant allele.
Comment: ACMG/AMP guidelines: PM2, PP4_PP, PVS1, PM3_PP